The following is an entry in ClinVar:

ClinVar aggregate classification (germline): Pathogenic (1 of 4 stars; one submission).

Submission:

CeGaT Center for Human Genetics Tuebingen
Classification: Pathogenic. Last evaluated: 2025-04-01. Review status: criteria provided, single submitter. Criteria: CeGaT Center For Human Genetics Tuebingen Variant Classification Criteria Version 2. Collection method: clinical testing. Allele origin: germline. Affected: yes. Observed: 1 variant allele.
Comment: HYDIN: PVS1, PM2

NM_001270974.2(HYDIN):c.9979+1G>T

Gene: HYDIN (HYDIN axonemal central pair apparatus protein; minus strand). Cytogenetic location: 16q22.2.
Variant type: single nucleotide variant.
Coding change: c.9979+1G>T on transcript NM_001270974.2 (MANE Select); the canonical splice donor site of the intron after coding-DNA position 9979, G replaced by T.
Molecular consequence: splice donor variant.
Genome position (GRCh38, 1-based): chr16:70,883,919, C>A on the plus strand (G>T on the coding strand, the complement: HYDIN is on the minus strand). VCF-style: chr16-70883919-C-A. GRCh37 (hg19) VCF-style: chr16-70917822-C-A.
Identifiers: ClinVar variation 3898514 (VCV003898514.7).